The following is an entry in ClinVar:

NM_001846.4(COL4A2):c.2852T>C (p.Phe951Ser)

Gene: COL4A2 (collagen type IV alpha 2 chain; plus strand). Cytogenetic location: 13q34.
Variant type: single nucleotide variant.
Coding change: c.2852T>C on transcript NM_001846.4 (MANE Select); coding-DNA position 2852, T replaced by C.
Protein change: p.Phe951Ser; replaces phenylalanine 951 with serine.
Molecular consequence: missense variant.
Genome position (GRCh38, 1-based): chr13:110,482,609, T>C. VCF-style: chr13-110482609-T-C. GRCh37 (hg19) VCF-style: chr13-111134956-T-C.
Other names: short protein forms F951S.
Identifiers: ClinVar variation 3652029 (VCV003652029.2).
Genomic context (GRCh38, chr13:110,482,609, plus strand): 5'-AAGGCATGCCTGGACTCAAAGGGAGACCCGGGTTTCCAGGGAGCAAAGGCGAGGCTGGAT[T>C]TTTCGGAATACCCGGTCTGAAGGGTCTGGCTGGTGAGCCAGGTTTTAAAGGTATGTCCCT-3'
Protein context (NP_001837.2, residues 941-961): GFPGSKGEAG[Phe951Ser]FGIPGLKGLA

ClinVar aggregate classification (germline): Uncertain significance (1 of 4 stars; one submission).

Submission:

Labcorp Genetics (formerly Invitae), Labcorp
Classification: Uncertain significance. Last evaluated: 2024-05-09. Review status: criteria provided, single submitter. Criteria: Invitae Variant Classification Sherloc (09022015). Collection method: clinical testing. Allele origin: germline.
Comment: This sequence change replaces phenylalanine, which is neutral and non-polar, with serine, which is neutral and polar, at codon 951 of the COL4A2 protein (p.Phe951Ser). This variant is not present in population databases (gnomAD no frequency). This variant has not been reported in the literature in individuals affected with COL4A2-related conditions. Advanced modeling of protein sequence and biophysical properties (such as structural, functional, and spatial information, amino acid conservation, physicochemical variation, residue mobility, and thermodynamic stability) performed at Invitae indicates that this missense variant is not expected to disrupt COL4A2 protein function with a negative predictive value of 95%. In summary, the available evidence is currently insufficient to determine the role of this variant in disease. Therefore, it has been classified as a Variant of Uncertain Significance.